The following is an entry in ClinVar:

ClinVar aggregate classification (germline): Likely pathogenic (1 of 4 stars; one submission).

Conditions:
Bifunctional peroxisomal enzyme deficiency (DBIF). Also called: DBP DEFICIENCY; PBFE DEFICIENCY; D-bifunctional protein deficiency. Identifiers: Orphanet 300, MedGen C0342870, MONDO:0009855, OMIM 261515. Disease mechanism: loss of function.

Submission:

Myriad Genetics, Inc.
Classification: Likely pathogenic for Bifunctional peroxisomal enzyme deficiency. Last evaluated: 2022-02-01. Review status: criteria provided, single submitter. Criteria: Myriad Autosomal Dominant, Autosomal Recessive and X-Linked Classification Criteria (2023). Collection method: clinical testing. Allele origin: unknown.
Comment: NM_000414.3(HSD17B4):c.639_648del10(K214Mfs*41) is expected to be pathogenic in the context of HSD17B4-related disorders. This variant is predicted to lead to an abnormal or absent protein product due to the creation of a premature termination codon in HSD17B4, a gene where loss-of-function variants are known to be pathogenic. Please note: this variant was assessed in the context of healthy population screening.

NM_000414.4(HSD17B4):c.639_648del (p.Lys214fs)

Gene: HSD17B4 (hydroxysteroid 17-beta dehydrogenase 4; plus strand). Cytogenetic location: 5q23.1.
Variant type: Deletion.
Coding change: c.639_648del on transcript NM_000414.4 (MANE Select); coding-DNA positions 639 to 648, 10 bases deleted (GAAGCCAGAG; older notation c.639_648delGAAGCCAGAG).
Protein change: p.Lys214fs; shifts the reading frame from lysine 214.
Molecular consequence: frameshift variant. On other transcripts: non-coding transcript variant (2).
Genome position (GRCh38, 1-based): chr5:119,489,208-119,489,217, GAAGCCAGAG deleted. VCF-style (leftmost placement, unchanged base first): chr5-119489207-TGAAGCCAGAG-T. GRCh37 (hg19) VCF-style: chr5-118824902-TGAAGCCAGAG-T.
Other names: c.567_576del, p.Lys190fs (NM_001292027.2); c.219_228del, p.Lys74fs (NM_001292028.2); c.630_639del, p.Lys211fs (NM_001374497.1); c.639_648del, p.Lys214fs (NM_001374498.1); c.312_321del, p.Lys105fs (NM_001374499.1); c.198_207del, p.Lys67fs (NM_001374500.1); c.228_237del, p.Lys77fs (NM_001374501.1, NM_001374502.1, NM_001374503.1); c.714_723del, p.Lys239fs (NM_001199291.3); and 1 more; short protein forms K105fs, K190fs, K196fs, K211fs, K214fs, K239fs, K67fs, K74fs.
Identifiers: ClinVar variation 1724207 (VCV001724207.3), dbSNP rs2531676188, ClinGen allele CA2580072406.